The following is an entry in ClinVar:

ClinVar aggregate classification (germline): Likely pathogenic (1 of 4 stars; one submission).

Conditions:
Intellectual developmental disorder, autosomal dominant 47. Also called: MENTAL RETARDATION, AUTOSOMAL DOMINANT 47; Intellectual disability, autosomal dominant 47. Identifiers: Orphanet 502434, MedGen C4539951, MONDO:0030912, OMIM 617635.

Submission:

3billion
Classification: Likely pathogenic for Intellectual developmental disorder, autosomal dominant 47. Last evaluated: 2024-07-18. Review status: criteria provided, single submitter. Criteria: ACMG Guidelines, 2015. Collection method: clinical testing. Allele origin: germline. Affected: yes.
Comment: The variant is not observed in the gnomAD v4.0.0 dataset. Predicted Consequence/Location: Stop-gained (nonsense): predicted to result in a loss or disruption of normal protein function through nonsense-mediated decay (NMD) or protein truncation. Multiple pathogenic variants are reported downstream of the variant. Therefore, this variant is classified as Likely pathogenic according to the recommendation of ACMG/AMP guideline.

NM_005862.3(STAG1):c.568C>T (p.Gln190Ter)

Gene: STAG1 (STAG1 cohesin complex component; minus strand). Cytogenetic location: 3q22.3.
Variant type: single nucleotide variant.
Coding change: c.568C>T on transcript NM_005862.3 (MANE Select); coding-DNA position 568, C replaced by T.
Protein change: p.Gln190Ter; replaces glutamine 190 with a stop codon.
Molecular consequence: nonsense.
Genome position (GRCh38, 1-based): chr3:136,521,321, G>A on the plus strand (C>T on the coding strand, the complement: STAG1 is on the minus strand). VCF-style: chr3-136521321-G-A. GRCh37 (hg19) VCF-style: chr3-136240163-G-A.
Other names: short protein forms Q190*.
Identifiers: ClinVar variation 4293910 (VCV004293910.1).